The following is an entry in ClinVar:

NM_007294.4(BRCA1):c.213-2A>G

Gene: BRCA1 (BRCA1 DNA repair associated; minus strand). Cytogenetic location: 17q21.31.
Variant type: single nucleotide variant.
Coding change: c.213-2A>G on transcript NM_007294.4 (MANE Select); the canonical splice acceptor site of the intron before coding-DNA position 213, A replaced by G.
Molecular consequence: splice acceptor variant. On other transcripts: intron variant (2).
Genome position (GRCh38, 1-based): chr17:43,104,958, T>C on the plus strand (A>G on the coding strand, the complement: BRCA1 is on the minus strand). VCF-style: chr17-43104958-T-C. GRCh37 (hg19) VCF-style: chr17-41256975-T-C.
Other names: c.3-2A>G (NM_001407915.1, NM_001407916.1, NM_001407895.1 and 58 more transcripts); c.213-2A>G (NM_001407646.1, NM_001408445.1, NM_001408432.1 and 167 more transcripts); c.-169-2A>G (NM_001407965.1, NM_001407959.1, NM_001407962.1 and 4 more transcripts); c.72-2A>G (NM_001407930.1, NM_001407843.1, NM_001408456.1 and 99 more transcripts); c.-218-10098A>G (NM_001407967.1, NM_001407966.1); c.135-2A>G (NM_001407874.1, NM_001408416.1, NM_001408414.1 and 21 more transcripts); c.81-2A>G (NM_001408451.1).
Identifiers: ClinVar variation 224426 (VCV000224426.14), dbSNP rs397508940, ClinGen allele CA10575954.
Genomic context (GRCh38, chr17:43,104,958, plus strand): 5'-AAATGATTTTCAATAGCTCTTCAACAAGTTGACTAAATCTCGTACTTTCTTGTAGGCTCC[T>C]GAAATTAAATTGTTTGAGAAACACACTCAGCAAGTGATTATCAACCTTTTAAGGACACTA-3'

ClinVar aggregate classification (germline): Pathogenic. Review status: criteria provided, multiple submitters, no conflicts (2 of 4 stars). 4 submissions from 4 submitters: Pathogenic (4). Last evaluated 2023-11-14.

Conditions:
Breast neoplasm. Also called: Breast Neoplasms; Neoplasm of the breast; Neoplasm of breast; Breast tumor. Identifiers: MedGen C1458155, MeSH D001943, MONDO:0021100, HP:0100013. Disease mechanism: gain of function.
Hereditary breast ovarian cancer syndrome. Also called: Breast and ovarian cancer; Hereditary breast and ovarian cancer; Hereditary breast and ovarian cancer syndrome; Hereditary breast and/or ovarian cancer syndrome; BRCA1- and BRCA2-Associated Hereditary Breast and Ovarian Cancer; Hereditary breast and ovarian cancer syndrome (HBOC). Identifiers: Orphanet 145, MedGen C0677776, MeSH D061325, MONDO:0003582. Disease mechanism: loss of function.
Breast-ovarian cancer, familial, susceptibility to, 1 (BROVCA1). Also called: BRCA1 Hereditary Breast and Ovarian Cancer; OVARIAN CANCER, SUSCEPTIBILITY TO. Identifiers: Orphanet 145, MedGen C2676676, MONDO:0011450, OMIM 604370. Disease mechanism: loss of function.
Hereditary cancer-predisposing syndrome. Also called: Tumor predisposition; Hereditary Cancer Syndrome; Neoplastic Syndromes, Hereditary; Hereditary neoplastic syndrome. Identifiers: Orphanet 140162, MedGen C0027672, MeSH D009386, MONDO:0015356.

Submissions (5):

Ambry Genetics
Classification: Pathogenic for Hereditary cancer-predisposing syndrome. Last evaluated: 2023-11-14. Review status: criteria provided, single submitter. Criteria: Ambry Variant Classification Scheme 2023. Collection method: clinical testing. Allele origin: germline.
Comment: The c.213-2A>G intronic pathogenic mutation results from an A to G substitution two nucleotides upstream from coding exon 4 in the BRCA1 gene. This alteration was identified in 1/507 unselected Chinese breast cancer patients (Zhong X et al. PLoS One, 2016 Jun;11:e0156789). One functional study found that this nucleotide substitution is non-functional in a high throughput genome editing haploid cell survival assay (Findlay GM et al. Nature, 2018 Oct;562:217-222). This nucleotide position is highly conserved in available vertebrate species. In silico splice site analysis predicts that this alteration will weaken the native splice acceptor site and may result in the creation of a novel splice acceptor site. RNA studies have shown this variant to result in an acceptor gain which includes 59 nucleotides of intron and results in a transcript subject to nonsense-mediated mRNA decay (Ambry internal data, Houdayer C et al. Hum Mutat 2012 Aug;33(8):1228-38). This variant is considered to be rare based on population cohorts in the Genome Aggregation Database (gnomAD). Based on the supporting evidence, this alteration is interpreted as a disease-causing mutation.

Labcorp Genetics (formerly Invitae), Labcorp
Classification: Pathogenic for Hereditary breast ovarian cancer syndrome. Last evaluated: 2021-05-28. Review status: criteria provided, single submitter. Criteria: Invitae Variant Classification Sherloc (09022015). Collection method: clinical testing. Allele origin: germline.
Comment: For these reasons, this variant has been classified as Pathogenic. Algorithms developed to predict the effect of sequence changes on RNA splicing suggest that this variant may disrupt the consensus splice site, but this prediction has not been confirmed by published transcriptional studies. Experimental studies have shown that this variant affects BRCA1 protein function (PMID: 30209399). This variant has been observed in individual(s) with personal and/or family history of breast and/or ovarian cancer (PMID: 29446198, 30702160). ClinVar contains an entry for this variant (Variation ID: 224426). This variant is not present in population databases (ExAC no frequency). This sequence change affects an acceptor splice site in intron 4 of the BRCA1 gene. It is expected to disrupt RNA splicing. Variants that disrupt the donor or acceptor splice site typically lead to a loss of protein function (PMID: 16199547), and loss-of-function variants in BRCA1 are known to be pathogenic (PMID: 20104584).

Laboratory of Molecular Diagnosis of Cancer, West China Hospital, Sichuan University
Classification: Pathogenic for Breast neoplasm. Last evaluated: 2015-11-01. Review status: criteria provided, single submitter. Criteria: ACMG Guidelines, 2015. Collection method: research. Allele origin: germline. Affected: yes. Observed: 1 variant allele.

Consortium of Investigators of Modifiers of BRCA1/2 (CIMBA), c/o University of Cambridge
Classification: Pathogenic for Breast-ovarian cancer, familial, susceptibility to, 1. Last evaluated: 2015-10-02. Review status: criteria provided, single submitter. Criteria: CIMBA Mutation Classification guidelines May 2016. Collection method: clinical testing. Allele origin: germline.

Brotman Baty Institute, University of Washington
No classification provided (evidence only). Condition: Breast-ovarian cancer, familial 1. Review status: no classification provided. Collection method: in vitro. Allele origin: not applicable. Functional consequence: functionally_abnormal. Not counted in ClinVar's aggregate classification.
ClinVar note: "not provided" was previously submitted as the classification for the variant. However, the classification appeared to be based only on an observation of functional data so it was converted to no classification on 2025-07-30.

Literature cited by the submitters: PubMed 22505045 (cited by Ambry Genetics); PubMed 27257965 (cited by Ambry Genetics and Laboratory of Molecular Diagnosis of Cancer, West China Hospital, Sichuan University); PubMed 30209399 (cited by Ambry Genetics and Labcorp Genetics (formerly Invitae), Labcorp); PubMed 29446198 (cited by Labcorp Genetics (formerly Invitae), Labcorp); PubMed 30702160 (cited by Labcorp Genetics (formerly Invitae), Labcorp); PubMed 16199547 (cited by Labcorp Genetics (formerly Invitae), Labcorp); PubMed 20104584 (cited by Labcorp Genetics (formerly Invitae), Labcorp).